The following is an entry in ClinVar:

ClinVar aggregate classification (germline): Pathogenic. Review status: criteria provided, multiple submitters, no conflicts (2 of 4 stars). 3 submissions from 3 submitters: Pathogenic (2). 1 of the submissions does not count toward it. Last evaluated 2025-09-10.

Conditions:
Tuberous sclerosis syndrome (TSC). Also called: Tuberous Sclerosis Complex; Tuberous sclerosis. Identifiers: Orphanet 805, MedGen C0041341, MONDO:0001734.
Tuberous sclerosis 2 (TSC2). Identifiers: Orphanet 805, MedGen C1860707, MONDO:0013199, OMIM 613254.

Submissions (3):

Genomic Medicine Center of Excellence, King Faisal Specialist Hospital and Research Centre
Classification: Pathogenic for Tuberous sclerosis 2. Last evaluated: 2025-09-10. Review status: criteria provided, single submitter. Criteria: ACMG Guidelines, 2015. Collection method: clinical testing. Allele origin: germline.

Labcorp Genetics (formerly Invitae), Labcorp
Classification: Pathogenic for Tuberous sclerosis 2. Last evaluated: 2022-01-03. Review status: criteria provided, single submitter. Criteria: Invitae Variant Classification Sherloc (09022015). Collection method: clinical testing. Allele origin: germline.
Comment: This missense change has been observed in individuals with clinical features of tuberous sclerosis complex (PMID: 21407264, 21520333, 22867869, 27060308, 33074564; Invitae). For these reasons, this variant has been classified as Pathogenic. This variant disrupts the p.His597 amino acid residue in TSC2. Other variant(s) that disrupt this residue have been observed in individuals with TSC2-related conditions (PMID: 32211034), which suggests that this may be a clinically significant amino acid residue. Experimental studies have shown that this missense change affects TSC2 function (PMID: 21407264). Algorithms developed to predict the effect of missense changes on protein structure and function are either unavailable or do not agree on the potential impact of this missense change (SIFT: "Deleterious"; PolyPhen-2: "Probably Damaging"; Align-GVGD: "Class C0"). ClinVar contains an entry for this variant (Variation ID: 49629). This variant is not present in population databases (gnomAD no frequency). This sequence change replaces histidine, which is basic and polar, with arginine, which is basic and polar, at codon 597 of the TSC2 protein (p.His597Arg).

Tuberous sclerosis database (TSC2)
No classification provided. Condition: TSC. Review status: no classification provided. Criteria: Tuberous Sclerosis Database Assertion Criteria 2015. Collection method: curation. Allele origin: germline. Affected: yes. Not counted in ClinVar's aggregate classification.

Literature cited by the submitters: PubMed 21407264 (cited by Labcorp Genetics (formerly Invitae), Labcorp); PubMed 21520333 (cited by Labcorp Genetics (formerly Invitae), Labcorp); PubMed 22867869 (cited by Labcorp Genetics (formerly Invitae), Labcorp); PubMed 27060308 (cited by Labcorp Genetics (formerly Invitae), Labcorp); PubMed 33074564 (cited by Labcorp Genetics (formerly Invitae), Labcorp); PubMed 32211034 (cited by Labcorp Genetics (formerly Invitae), Labcorp).

NM_000548.5(TSC2):c.1790A>G (p.His597Arg)

Gene: TSC2 (TSC complex subunit 2; plus strand). Cytogenetic location: 16p13.3.
Variant type: single nucleotide variant.
Coding change: c.1790A>G on transcript NM_000548.5 (MANE Select); coding-DNA position 1790, A replaced by G.
Protein change: p.His597Arg; replaces histidine 597 with arginine.
Molecular consequence: missense variant.
Genome position (GRCh38, 1-based): chr16:2,070,529, A>G. VCF-style: chr16-2070529-A-G. GRCh37 (hg19) VCF-style: chr16-2120530-A-G.
Other names: c.1790A>G, p.His597Arg (NM_001077183.3, NM_001114382.3, NM_001363528.2 and 3 more transcripts); c.1679A>G, p.His560Arg (NM_001318827.2); c.1643A>G, p.His548Arg (NM_001318829.2); c.1190A>G, p.His397Arg (NM_001318831.2); c.1823A>G, p.His608Arg (NM_001318832.2); short protein forms H597R, H548R, H608R, H397R, H560R.
Identifiers: ClinVar variation 49629 (VCV000049629.7), dbSNP rs137854322, ClinGen allele CA015754.